The following is an entry in ClinVar:

ClinVar aggregate classification (germline): Uncertain significance (1 of 4 stars; one submission).

Allele frequency attached by ClinVar (database versions not stated): gnomAD exomes 0.00001; ExAC 0.00001; gnomAD 0.00001.
gnomAD v4.1: 16 of 1,611,802 alleles (0.00099%); highest among the groups gnomAD compares: Non-Finnish European, 0.0013%; no homozygotes.

Submission:

Labcorp Genetics (formerly Invitae), Labcorp
Classification: Uncertain significance. Last evaluated: 2025-05-31. Review status: criteria provided, single submitter. Criteria: Invitae Variant Classification Sherloc (09022015). Collection method: clinical testing. Allele origin: germline.
Comment: This sequence change replaces arginine, which is basic and polar, with glutamine, which is neutral and polar, at codon 342 of the RASGRP1 protein (p.Arg342Gln). This variant is present in population databases (rs764712824, gnomAD 0.0009%). This variant has not been reported in the literature in individuals affected with RASGRP1-related conditions. ClinVar contains an entry for this variant (Variation ID: 2961442). Invitae Evidence Modeling of protein sequence and biophysical properties (such as structural, functional, and spatial information, amino acid conservation, physicochemical variation, residue mobility, and thermodynamic stability) indicates that this missense variant is not expected to disrupt RASGRP1 protein function with a negative predictive value of 80%. In summary, the available evidence is currently insufficient to determine the role of this variant in disease. Therefore, it has been classified as a Variant of Uncertain Significance.

NM_005739.4(RASGRP1):c.1025G>A (p.Arg342Gln)

Gene: RASGRP1 (RAS guanyl releasing protein 1; minus strand). Cytogenetic location: 15q14.
Variant type: single nucleotide variant.
Coding change: c.1025G>A on transcript NM_005739.4 (MANE Select); coding-DNA position 1025, G replaced by A.
Protein change: p.Arg342Gln; replaces arginine 342 with glutamine.
Molecular consequence: missense variant.
Genome position (GRCh38, 1-based): chr15:38,507,943, C>T on the plus strand (G>A on the coding strand, the complement: RASGRP1 is on the minus strand). VCF-style: chr15-38507943-C-T. GRCh37 (hg19) VCF-style: chr15-38800144-C-T.
Other names: c.1025G>A, p.Arg342Gln (NM_001128602.2, NM_001306086.2); short protein forms R342Q.
Identifiers: ClinVar variation 2961442 (VCV002961442.3), dbSNP rs764712824, ClinGen allele CA7470972.